The following is an entry in ClinVar:

NM_033641.4(COL4A6):c.154G>A (p.Gly52Arg)

Gene: COL4A6 (collagen type IV alpha 6 chain; minus strand). Cytogenetic location: Xq22.3.
Variant type: single nucleotide variant.
Coding change: c.154G>A on transcript NM_033641.4 (MANE Select); coding-DNA position 154, G replaced by A.
Protein change: p.Gly52Arg; replaces glycine 52 with arginine.
Molecular consequence: missense variant.
Genome position (GRCh38, 1-based): chrX:108,221,365, C>T on the plus strand (G>A on the coding strand, the complement: COL4A6 is on the minus strand). VCF-style: chrX-108221365-C-T. GRCh37 (hg19) VCF-style: chrX-107464595-C-T.
Other names: c.154G>A, p.Gly52Arg (NM_001287758.2, NM_001287759.2, NM_001287760.2 and 1 more transcripts); c.157G>A, p.Gly53Arg (NM_001440759.1, NM_001847.4); short protein forms G52R, G53R.
Identifiers: ClinVar variation 4743656 (VCV004743656.1).
Genomic context (GRCh38, chrX:108,221,365, plus strand): 5'-ATAAACCAGTAGAGCCAGTGAATCCTTGAGGACCTGTTGGGCCTTGAATTCCAATTGGTC[C>T]AGGTCGTCCCTAAGGTGGACAGAAGGAGTGCAATTAGTCAATAGAGGACTTAGCATTAAT-3'
Protein context (NP_378667.1, residues 42-62): FPEKGARGRP[Gly52Arg]PIGIQGPTGP

ClinVar aggregate classification (germline): Uncertain significance (1 of 4 stars; one submission).

Submission:

Labcorp Genetics (formerly Invitae), Labcorp
Classification: Uncertain significance. Last evaluated: 2025-10-22. Review status: criteria provided, single submitter. Criteria: Invitae Variant Classification Sherloc (09022015). Collection method: clinical testing. Allele origin: germline.
Comment: This sequence change replaces glycine, which is neutral and non-polar, with arginine, which is basic and polar, at codon 53 of the COL4A6 protein (p.Gly53Arg). This variant is not present in population databases (gnomAD no frequency). This variant has not been reported in the literature in individuals affected with COL4A6-related conditions. Invitae Evidence Modeling of protein sequence and biophysical properties (such as structural, functional, and spatial information, amino acid conservation, physicochemical variation, residue mobility, and thermodynamic stability) indicates that this missense variant is expected to disrupt COL4A6 protein function with a positive predictive value of 80%. In summary, the available evidence is currently insufficient to determine the role of this variant in disease. Therefore, it has been classified as a Variant of Uncertain Significance.